The following is an entry in ClinVar:

ClinVar aggregate classification (germline): Uncertain significance (1 of 4 stars; one submission).

Conditions:
Hereditary sensory and autonomic neuropathy type 6. Also called: HSAN VI; Neuropathy, hereditary sensory and autonomic, type VI. Identifiers: Orphanet 314381, MedGen C3539003, MONDO:0013839, OMIM 614653.
Epidermolysis bullosa simplex 3, localized or generalized intermediate, with BP230 deficiency (EBS3). Also called: Epidermolysis bullosa simplex, autosomal recessive 2; Epidermolysis bullosa simplex due to BP230 deficiency. Identifiers: Orphanet 412181, MedGen C3809470, MONDO:0014180, OMIM 615425.

gnomAD v4.1: 4 of 1,613,576 alleles (0.00025%); highest among the groups gnomAD compares: Non-Finnish European, 0.00034%; no homozygotes.

Submission:

Labcorp Genetics (formerly Invitae), Labcorp
Classification: Uncertain significance for Epidermolysis bullosa simplex 3, localized or generalized intermediate, with BP230 deficiency; Hereditary sensory and autonomic neuropathy type 6. Last evaluated: 2024-05-06. Review status: criteria provided, single submitter. Criteria: Invitae Variant Classification Sherloc (09022015). Collection method: clinical testing. Allele origin: germline.
Comment: The DST gene has multiple clinically relevant transcripts. This variant occurs in alternate transcript NM_015548.4, and corresponds to NM_001723.5:c.*130211G>A in the primary transcript. This sequence change falls in intron 69 of the DST gene. It does not directly change the encoded amino acid sequence of the DST protein. It affects a nucleotide within the consensus splice site. This variant is present in population databases (no rsID available, gnomAD 0.0009%). This variant has not been reported in the literature in individuals affected with DST-related conditions. Experimental studies and prediction algorithms are not available or were not evaluated, and the functional significance of this variant is currently unknown. Variants that disrupt the consensus splice site are a relatively common cause of aberrant splicing (PMID: 17576681, 9536098). Experimental studies and prediction algorithms are not available or were not evaluated, and the effect of this variant on mRNA splicing is currently unknown. In summary, the available evidence is currently insufficient to determine the role of this variant in disease. Therefore, it has been classified as a Variant of Uncertain Significance.

Literature cited by the submitters: PubMed 17576681; PubMed 9536098.

NM_001374736.1(DST):c.21207+6G>A

Gene: DST (dystonin; minus strand). Cytogenetic location: 6p12.1.
Variant type: single nucleotide variant.
Coding change: c.21207+6G>A on transcript NM_001374736.1 (MANE Select); 6 bases into the intron after coding-DNA position 21207, G replaced by A.
Molecular consequence: intron variant.
Genome position (GRCh38, 1-based): chr6:56,485,306, C>T on the plus strand (G>A on the coding strand, the complement: DST is on the minus strand). VCF-style: chr6-56485306-C-T. GRCh37 (hg19) VCF-style: chr6-56350104-C-T.
Other names: c.14850+6G>A (NM_001144769.5); c.21207+6G>A (NM_001374722.1); c.21234+6G>A (NM_001374734.1); c.14436+6G>A (NM_001144770.2); c.13989+6G>A (NM_001374730.1); c.14316+6G>A (NM_001386100.1, NM_183380.4); c.20247+6G>A (NM_001374729.1); c.13338+6G>A (NM_015548.5).
Identifiers: ClinVar variation 3750811 (VCV003750811.2).